The following is an entry in ClinVar:

NM_152594.3(SPRED1):c.599C>T (p.Pro200Leu)

Gene: SPRED1 (sprouty related EVH1 domain containing 1; plus strand). Cytogenetic location: 15q14.
Variant type: single nucleotide variant.
Coding change: c.599C>T on transcript NM_152594.3 (MANE Select); coding-DNA position 599, C replaced by T.
Protein change: p.Pro200Leu; replaces proline 200 with leucine.
Molecular consequence: missense variant.
Genome position (GRCh38, 1-based): chr15:38,349,438, C>T. VCF-style: chr15-38349438-C-T. GRCh37 (hg19) VCF-style: chr15-38641639-C-T.
Other names: short protein forms P200L.
Identifiers: ClinVar variation 2587850 (VCV002587850.2), dbSNP rs778144652, ClinGen allele CA7470135.

ClinVar aggregate classification (germline): Uncertain significance (1 of 4 stars; one submission).

Conditions:
Cardiovascular phenotype. Identifiers: MedGen CN230736.

Allele frequency attached by ClinVar (database versions not stated): gnomAD exomes below 0.00001; ExAC 0.00001.
gnomAD v4.1: 1 of 1,612,100 alleles (0.000062%); highest among the groups gnomAD compares: South Asian, 0.0011%; no homozygotes.

Submission:

Ambry Genetics
Classification: Uncertain significance for Cardiovascular phenotype. Last evaluated: 2023-06-22. Review status: criteria provided, single submitter. Criteria: Ambry Variant Classification Scheme 2023. Collection method: clinical testing. Allele origin: germline.
Comment: The p.P200L variant (also known as c.599C>T), located in coding exon 6 of the SPRED1 gene, results from a C to T substitution at nucleotide position 599. The proline at codon 200 is replaced by leucine, an amino acid with similar properties. This amino acid position is conserved. In addition, this alteration is predicted to be tolerated by in silico analysis. Since supporting evidence is limited at this time, the clinical significance of this alteration remains unclear.